The following is an entry in ClinVar:

ClinVar aggregate classification (germline): Uncertain significance. Review status: criteria provided, multiple submitters, no conflicts (2 of 4 stars). 3 submissions from 3 submitters: Uncertain significance (3). Last evaluated 2025-07-31.

Conditions:
Hereditary cancer-predisposing syndrome. Also called: Neoplastic Syndromes, Hereditary; Tumor predisposition; Hereditary neoplastic syndrome; Hereditary Cancer Syndrome. Identifiers: Orphanet 140162, MedGen C0027672, MeSH D009386, MONDO:0015356.
Hereditary breast ovarian cancer syndrome. Also called: Hereditary breast and ovarian cancer syndrome; Hereditary breast and ovarian cancer; Hereditary breast and ovarian cancer syndrome (HBOC); Breast and ovarian cancer; Hereditary breast and/or ovarian cancer syndrome; BRCA1- and BRCA2-Associated Hereditary Breast and Ovarian Cancer. Identifiers: Orphanet 145, MedGen C0677776, MeSH D061325, MONDO:0003582. Disease mechanism: loss of function.

Submissions (3):

Labcorp Genetics (formerly Invitae), Labcorp
Classification: Uncertain significance for Hereditary breast ovarian cancer syndrome. Last evaluated: 2025-07-31. Review status: criteria provided, single submitter. Criteria: Invitae Variant Classification Sherloc (09022015). Collection method: clinical testing. Allele origin: germline.
Comment: This sequence change deletes 1 nucleotide from exon 2 of the BRCA2 mRNA (c.1delA), affecting the initiator methionine. However, the integrity of the initiator methionine is expected to be preserved by an immediate upstream adenine nucleotide adjacent to this sequence change. The frequency data for this variant in the population databases is considered unreliable, as metrics indicate poor data quality at this position in the gnomAD database. This variant has not been reported in the literature in individuals affected with BRCA2-related conditions. This variant is also known as c.-4delA. ClinVar contains an entry for this variant (Variation ID: 628279). Experimental studies and prediction algorithms are not available or were not evaluated, and the functional significance of this variant is currently unknown. In summary, the available evidence is currently insufficient to determine the role of this variant in disease. Therefore, it has been classified as a Variant of Uncertain Significance.

Ambry Genetics
Classification: Uncertain significance for Hereditary cancer-predisposing syndrome. Last evaluated: 2024-02-15. Review status: criteria provided, single submitter. Criteria: Ambry Variant Classification Scheme 2023. Collection method: clinical testing. Allele origin: germline.
Comment: The c.1delA variant, located in coding exon 1 of the BRCA2 gene, results from a deletion of one nucleotide at nucleotide position 1. This variant which falls within a string of multiple adenine residues could arbitrarily result from deletion of any of the adenine nucleotides from c.-4 to c.1 and as a result may or may-not alter the methionine residue at the initiation codon (p.M1?). Since supporting evidence is limited at this time, the clinical significance of this alteration remains unclear

Color Diagnostics, LLC DBA Color Health
Classification: Uncertain significance for Hereditary cancer-predisposing syndrome. Last evaluated: 2020-01-21. Review status: criteria provided, single submitter. Criteria: ACMG Guidelines, 2015. Collection method: clinical testing. Allele origin: germline.
Comment: This variant causes the deletion of a single A nucleotide within a series of five consecutive A nucleotides from c.-4 to c.1 in the BRCA2 gene. While this variant is described as c.1del, it does not disrupt the translation start codon because the upstream A nucleotide (c.-1A) restores the translation initiation (ATG) codon. The variant sequence in the 5' untranslated region also conforms to the Kozak consensus sequence (PMID: 3313277). Splice site prediction tools suggest that this variant may not impact RNA splicing. To our knowledge, functional studies have not been performed for this variant. This variant has not been reported in individuals affected with hereditary cancer in the literature. This variant has been identified in 2/251214 chromosomes in the general population by the Genome Aggregation Database (gnomAD). The available evidence is insufficient to determine the role of this variant in disease conclusively. Therefore, this variant is classified as a Variant of Uncertain Significance.

Literature cited by the submitters: PubMed 14647210 (cited by Ambry Genetics); PubMed 15131399 (cited by Ambry Genetics); PubMed 21769658 (cited by Ambry Genetics); PubMed 24607278 (cited by Ambry Genetics); PubMed 30535581 (cited by Ambry Genetics).

NM_000059.4(BRCA2):c.1del (p.Met1fs)

Gene: BRCA2 (BRCA2 DNA repair associated; plus strand). Cytogenetic location: 13q13.1.
Variant type: Deletion.
Coding change: c.1del on transcript NM_000059.4 (MANE Select); coding-DNA position 1, one base deleted (A; older notation c.1delA).
Protein change: p.Met1fs; shifts the reading frame from methionine 1.
Molecular consequence: frameshift variant, initiator codon variant.
Genome position (GRCh38, 1-based): chr13:32,316,461, A deleted; the last of 5 consecutive A bases (chr13:32,316,457-32,316,461); deleting any one gives the same sequence. VCF-style (leftmost placement, unchanged base first): chr13-32316456-TA-T. GRCh37 (hg19) VCF-style: chr13-32890593-TA-T.
Other names: c.1delA (NM_000059.3).
Identifiers: ClinVar variation 628279 (VCV000628279.16), dbSNP rs761283611, ClinGen allele CA247478691.